The following is an entry in ClinVar:

NM_003737.4(DCHS1):c.8014C>T (p.Arg2672Ter)

Gene: DCHS1 (dachsous cadherin-related 1; minus strand). Cytogenetic location: 11p15.4.
Variant type: single nucleotide variant.
Coding change: c.8014C>T on transcript NM_003737.4 (MANE Select); coding-DNA position 8014, C replaced by T.
Protein change: p.Arg2672Ter; replaces arginine 2672 with a stop codon.
Molecular consequence: nonsense.
Genome position (GRCh38, 1-based): chr11:6,623,662, G>A on the plus strand (C>T on the coding strand, the complement: DCHS1 is on the minus strand). VCF-style: chr11-6623662-G-A. GRCh37 (hg19) VCF-style: chr11-6644893-G-A.
Other names: short protein forms R2672*.
Identifiers: ClinVar variation 2124088 (VCV002124088.4), dbSNP rs2493811918, ClinGen allele CA379481903.

ClinVar aggregate classification (germline): Uncertain significance (1 of 4 stars; one submission).

Allele frequency attached by ClinVar (database versions not stated): gnomAD exomes below 0.00001.
gnomAD v4.1: 5 of 1,613,804 alleles (0.00031%); highest among the groups gnomAD compares: Non-Finnish European, 0.00042%; no homozygotes.

Submission:

Labcorp Genetics (formerly Invitae), Labcorp
Classification: Uncertain significance. Last evaluated: 2022-04-10. Review status: criteria provided, single submitter. Criteria: Invitae Variant Classification Sherloc (09022015). Collection method: clinical testing. Allele origin: germline.
Comment: In summary, the available evidence is currently insufficient to determine the role of this variant in disease. Therefore, it has been classified as a Variant of Uncertain Significance. Experimental studies and prediction algorithms are not available or were not evaluated, and the functional significance of this variant is currently unknown. This variant has not been reported in the literature in individuals affected with DCHS1-related conditions. This variant is not present in population databases (gnomAD no frequency). This sequence change creates a premature translational stop signal (p.Arg2672*) in the DCHS1 gene. While this is not anticipated to result in nonsense mediated decay, it is expected to disrupt the last 627 amino acid(s) of the DCHS1 protein.